The following is an entry in ClinVar:

NM_000257.4(MYH7):c.2945T>C (p.Met982Thr)

Gene: MYH7 (myosin heavy chain 7; minus strand). Cytogenetic location: 14q11.2.
Variant type: single nucleotide variant.
Coding change: c.2945T>C on transcript NM_000257.4 (MANE Select); coding-DNA position 2945, T replaced by C.
Protein change: p.Met982Thr; replaces methionine 982 with threonine.
Molecular consequence: missense variant.
Genome position (GRCh38, 1-based): chr14:23,423,701, A>G on the plus strand (T>C on the coding strand, the complement: MYH7 is on the minus strand). VCF-style: chr14-23423701-A-G. GRCh37 (hg19) VCF-style: chr14-23892910-A-G.
Other names: p.M982T:ATG>ACG; NM_000257.3(MYH7):c.2945T>C; short protein forms M982T.
Identifiers: ClinVar variation 42941 (VCV000042941.85), dbSNP rs145532615, ClinGen allele CA013227.

ClinVar aggregate classification (germline): Benign. Review status: reviewed by expert panel (3 of 4 stars). 23 submissions from 20 submitters: Benign (1). 22 of the submissions do not count toward it. Last evaluated 2025-11-11.

Conditions:
MYH7-related disorder. Also called: MYH7-related disorders; MYH7-related condition; MYH7-related disease.
Myosin storage myopathy (CMYO7A). Also called: MYH7-related late-onset scapuloperoneal muscular dystrophy; Congenital myopathy 7A, myosin storage, autosomal dominant; Scapuloperoneal myopathy, MYH7-related; MYOPATHY WITH LYSIS OF TYPE I MYOFIBRILS; SCAPULOPERONEAL MUSCULAR DYSTROPHY; SCAPULOPERONEAL SYNDROME, MYOPATHIC TYPE. Identifiers: Orphanet 437572, Orphanet 636965, MedGen C1842160, MONDO:0008409, OMIM 608358.
Congenital myopathy with fiber type disproportion. Also called: Congenital fiber-type disproportion myopathy; Congenital fiber-type disproportion. Identifiers: Orphanet 2020, MedGen C0546264, MONDO:0009711. Inheritance: all.
MYH7-related skeletal myopathy. Also called: Myopathy, distal, 1; MYOPATHY, DISTAL, EARLY-ONSET, AUTOSOMAL DOMINANT; MYOPATHY, LATE DISTAL HEREDITARY; Laing distal myopathy; Laing early-onset distal myopathy. Identifiers: Orphanet 59135, MedGen C4552004, MONDO:0008050, OMIM 160500.
Dilated cardiomyopathy 1S (CMD1S). Identifiers: Orphanet 154, Orphanet 54260, MedGen C1834481, MONDO:0013262, OMIM 613426.
Myopathy, myosin storage, autosomal recessive (CMYO7B). Also called: CONGENITAL MYOPATHY 7B, MYOSIN STORAGE, AUTOSOMAL RECESSIVE. Identifiers: Orphanet 636970, MedGen C1850709, MONDO:0009708, OMIM 255160.
Hypertrophic cardiomyopathy 1 (CMH1). Also called: Familial hypertrophic cardiomyopathy 1; MYH7-Related Familial Hypertrophic Cardiomyopathy. Identifiers: MedGen C3495498, MONDO:0008647, OMIM 192600.
Cardiovascular phenotype. Identifiers: MedGen CN230736.
Increased left ventricular wall thickness.
Cardiomyopathy (CMYO). Also called: Cardiomyopathies. Identifiers: Orphanet 167848, MedGen C0878544, MONDO:0004994, HP:0001638. Inheritance: Various modes of inheritance.
Left ventricular noncompaction. Identifiers: Orphanet 54260, MedGen C1960469, MONDO:0018901, HP:0030682.
Hypertrophic cardiomyopathy. Also called: HYPERTROPHIC MYOCARDIOPATHY. Identifiers: Orphanet 217569, MedGen C0007194, MeSH D002312, MONDO:0005045, HP:0001639.

Allele frequency attached by ClinVar (database versions not stated): 1000 Genomes Project 30x 0.00031; 1000 Genomes Project 0.00040; TOPMed 0.00089; gnomAD 0.00093 and 0.00095; gnomAD exomes 0.00084 and 0.00177; ESP Exome Variant Server 0.00169; ExAC 0.00091.
gnomAD v4.1: 2,686 of 1,614,026 alleles (0.17%); highest among the groups gnomAD compares: Non-Finnish European, 0.21%; 7 homozygotes.

Submissions 1 to 14 of 23:

ClinGen Cardiomyopathy Variant Curation Expert Panel
Classification: Benign for Hypertrophic cardiomyopathy. Last evaluated: 2025-11-11. Review status: reviewed by expert panel. Criteria: ClinGen CMP ACMG Specifications v1. Collection method: curation. Allele origin: germline. Inheritance: Autosomal dominant inheritance.
Comment: The filtering allele frequency of the c.2945T>C (p.Met982Thr) variant in the MYH7 gene is 0.11% (88/66740) of European chromosomes by the Exome Aggregation Consortium, which is a high enough frequency to be classified as benign based on thresholds defined by the ClinGen Inherited Cardiomyopathy Expert Panel (BA1; PMID:29300372).

CeGaT Center for Human Genetics Tuebingen
Classification: Likely benign. Last evaluated: 2026-08-01. Review status: criteria provided, single submitter. Criteria: CeGaT Center For Human Genetics Tuebingen Variant Classification Criteria Version 2. Collection method: clinical testing. Allele origin: germline. Affected: yes. Observed: 7 variant alleles. Not counted in ClinVar's aggregate classification.
Comment: MYH7: PP3, BS2

Labcorp Genetics (formerly Invitae), Labcorp
Classification: Likely benign for Hypertrophic cardiomyopathy. Last evaluated: 2026-02-03. Review status: criteria provided, single submitter. Criteria: Invitae Variant Classification Sherloc (09022015). Collection method: clinical testing. Allele origin: germline. Not counted in ClinVar's aggregate classification.

Mayo Clinic Laboratories, Mayo Clinic
Classification: Benign. Last evaluated: 2025-05-06. Review status: criteria provided, single submitter. Criteria: ACMG Guidelines, 2015. Collection method: clinical testing. Allele origin: germline. Observed: 6 variant alleles. Not counted in ClinVar's aggregate classification.
Comment: BS1, BS2, PP3_strong

ARUP Laboratories, Molecular Genetics and Genomics, ARUP Laboratories
Classification: Benign. Last evaluated: 2025-04-07. Review status: criteria provided, single submitter. Criteria: ARUP Molecular Germline Variant Investigation Process 2024. Collection method: clinical testing. Allele origin: germline. Not counted in ClinVar's aggregate classification.

Women's Health and Genetics/Laboratory Corporation of America, LabCorp
Classification: Likely benign. Last evaluated: 2025-03-31. Review status: criteria provided, single submitter. Criteria: LabCorp Variant Classification Summary - May 2015. Collection method: clinical testing. Allele origin: germline. Not counted in ClinVar's aggregate classification.
Comment: Variant summary: MYH7 c.2945T>C (p.Met982Thr) results in a non-conservative amino acid change located in the Myosin tail domain (IPR002928) of the encoded protein sequence. Five of five in-silico tools predict a damaging effect of the variant on protein function. The variant allele was found at a frequency of 0.00085 in 253160 control chromosomes, predominantly at a frequency of 0.0014 within the Non-Finnish European subpopulation in the gnomAD database. The observed variant frequency within Non-Finnish European control individuals in the gnomAD database is slightly higher than (approximately 1.12-fold) the estimated maximal expected allele frequency for a pathogenic variant in MYH7 causing Cardiomyopathy phenotype (0.0013). c.2945T>C has been reported in the literature in individuals affected with Cardiomyopathy, but also in controls, including in one family where the variant did not segregate with disease (e.g. Clemente_2017). Furthermore, the variant has been reported in multiple affected individuals that carried other pathogenic variants, including MYBPC3 c.1504C>T, p.Arg502Trp; MYBPC3 c.2157_2158delTG, p.Cys719X; MYBPC3, p.Val219Phe, providing supporting evidence for a benign role (e.g. Millat_Clinica Chimica Acta_2010, Millat_EJMG_2010, Ho_2010). To our knowledge, no experimental evidence demonstrating an impact on protein function has been reported. The following publications have been ascertained in the context of this evaluation (PMID: 26743238, 21499742, 23426552, 23299917, 24111713, 22958901, 28265379, 25524337, 21511876, 25163546, 20031602, 30775854, 23396983, 24119082, 20800588, 20624503, 16754800, 31006259, 24503780, 28193612, 23349452). ClinVar contains an entry for this variant (Variation ID: 42941). Based on the evidence outlined above, the variant was classified as likely benign.

Blueprint Genetics
Classification: Likely benign. Last evaluated: 2024-11-22. Review status: criteria provided, single submitter. Criteria: ACMG Guidelines, 2015. Collection method: clinical testing. Allele origin: germline. Not counted in ClinVar's aggregate classification.

Laboratory for Molecular Medicine, Mass General Brigham Personalized Medicine
Classification: Benign. Last evaluated: 2024-04-11. Review status: criteria provided, single submitter. Criteria: ACMG Guidelines, 2015. Collection method: clinical testing. Allele origin: germline. Not counted in ClinVar's aggregate classification.
Comment: proposed classification - variant undergoing re-assessment, contact laboratory

Fulgent Genetics
Classification: Likely benign for MYH7-related skeletal myopathy; Myosin storage myopathy; Hypertrophic cardiomyopathy 1; Myopathy, myosin storage, autosomal recessive; Congenital myopathy 4A, autosomal dominant; Dilated cardiomyopathy 1S. Last evaluated: 2021-07-30. Review status: criteria provided, single submitter. Criteria: ACMG Guidelines, 2015. Collection method: clinical testing. Allele origin: unknown. Not counted in ClinVar's aggregate classification.

Molecular Diagnostic Laboratory for Inherited Cardiovascular Disease, Montreal Heart Institute
Classification: Benign for Left ventricular noncompaction. Last evaluated: 2020-06-21. Review status: criteria provided, single submitter. Criteria: ACMG Guidelines, 2015. Collection method: clinical testing. Allele origin: germline. Affected: yes. Not counted in ClinVar's aggregate classification.
Comment: we reviewed this variant Benign in 2020, because of BA1

Illumina Laboratory Services, Illumina
Classification: Likely benign for Hypertrophic cardiomyopathy 1. Last evaluated: 2019-04-19. Review status: criteria provided, single submitter. Criteria: ICSL Variant Classification Criteria 13 December 2019. Collection method: clinical testing. Allele origin: germline. Not counted in ClinVar's aggregate classification.
Comment: This variant was observed as part of a predisposition screen in an ostensibly healthy population. A literature search was performed for the gene, cDNA change, and amino acid change (where applicable). No publications were found based on this search. Allele frequency data from public databases allowed determination this variant is unlikely to cause disease. Therefore, this variant is classified as likely benign.

Illumina Laboratory Services, Illumina
Classification: Likely benign for Dilated cardiomyopathy 1S. Last evaluated: 2019-04-19. Review status: criteria provided, single submitter. Criteria: ICSL Variant Classification Criteria 13 December 2019. Collection method: clinical testing. Allele origin: germline. Not counted in ClinVar's aggregate classification.
Comment: the same text as in the submission from Illumina Laboratory Services, Illumina above.

Illumina Laboratory Services, Illumina
Classification: Likely benign for Myosin storage myopathy. Last evaluated: 2019-04-19. Review status: criteria provided, single submitter. Criteria: ICSL Variant Classification Criteria 13 December 2019. Collection method: clinical testing. Allele origin: germline. Not counted in ClinVar's aggregate classification.
Comment: the same text as in the submission from Illumina Laboratory Services, Illumina above.

Illumina Laboratory Services, Illumina
Classification: Likely benign for MYH7-related skeletal myopathy. Last evaluated: 2019-04-19. Review status: criteria provided, single submitter. Criteria: ICSL Variant Classification Criteria 13 December 2019. Collection method: clinical testing. Allele origin: germline. Not counted in ClinVar's aggregate classification.
Comment: the same text as in the submission from Illumina Laboratory Services, Illumina above.